The following is an entry in ClinVar:

NM_020778.5(ALPK3):c.2127del (p.Thr710fs)

Gene: ALPK3 (alpha kinase 3; plus strand). Cytogenetic location: 15q25.3.
Variant type: Deletion.
Coding change: c.2127del on transcript NM_020778.5 (MANE Select); coding-DNA position 2127, one base deleted (G; older notation c.2127delG).
Protein change: p.Thr710fs; shifts the reading frame from threonine 710.
Molecular consequence: frameshift variant.
Genome position (GRCh38, 1-based): chr15:84,856,865, G deleted; the last of 4 consecutive G bases (chr15:84,856,862-84,856,865); deleting any one gives the same sequence. VCF-style (leftmost placement, unchanged base first): chr15-84856861-AG-A. GRCh37 (hg19) VCF-style: chr15-85400092-AG-A.
Other names: short protein forms T710fs.
Identifiers: ClinVar variation 1440728 (VCV001440728.6), dbSNP rs1963867873, ClinGen allele CA2192387706.
Genomic context (GRCh38, chr15:84,856,861, plus strand): 5'-CAGATAAGGGCACACAGGAAGACAGAAGGATGCAGGGAGAGAAGGGGATGCAGGGAGAGA[AG>A]GGGACGCAGTCAGAGGGGAGCGCGCCCACAGCCATGGAAGGTCAGTCTGAGCAAGAGGTG-3'

ClinVar aggregate classification (germline): Pathogenic (1 of 4 stars; one submission).

Submission:

Labcorp Genetics (formerly Invitae), Labcorp
Classification: Pathogenic. Last evaluated: 2023-08-31. Review status: criteria provided, single submitter. Criteria: Invitae Variant Classification Sherloc (09022015). Collection method: clinical testing. Allele origin: germline.
Comment: For these reasons, this variant has been classified as Pathogenic. ClinVar contains an entry for this variant (Variation ID: 1440728). This variant has not been reported in the literature in individuals affected with ALPK3-related conditions. This variant is not present in population databases (gnomAD no frequency). This sequence change creates a premature translational stop signal (p.Thr912Argfs*42) in the ALPK3 gene. It is expected to result in an absent or disrupted protein product. Loss-of-function variants in ALPK3 are known to be pathogenic (PMID: 21441111, 26846950, 27106955, 34263907).

Literature cited by the submitters: PubMed 21441111; PubMed 26846950; PubMed 27106955; PubMed 34263907.